The following is an entry in ClinVar:

ClinVar aggregate classification (germline): Uncertain significance (1 of 4 stars; one submission).

Conditions:
Blau syndrome (BLAUS). Also called: GRANULOMATOSIS, FAMILIAL JUVENILE SYSTEMIC; GRANULOMATOSIS, FAMILIAL, BLAU TYPE; GRANULOMATOUS INFLAMMATORY ARTHRITIS, DERMATITIS, AND UVEITIS, FAMILIAL; JABS SYNDROME; ARTHROCUTANEOUVEAL GRANULOMATOSIS. Identifiers: Orphanet 90340, MedGen C5201146, MONDO:0008523, OMIM 186580.
Regional enteritis. Also called: Enteritis, Granulomatous. Identifiers: MedGen C0678202, MeSH D003424.

Submission:

Labcorp Genetics (formerly Invitae), Labcorp
Classification: Uncertain significance for Regional enteritis; Blau syndrome. Last evaluated: 2021-04-16. Review status: criteria provided, single submitter. Criteria: Invitae Variant Classification Sherloc (09022015). Collection method: clinical testing. Allele origin: germline.
Comment: This sequence change falls in intron 5 of the NOD2 gene. It does not directly change the encoded amino acid sequence of the NOD2 protein. This variant is not present in population databases (ExAC no frequency). In summary, the available evidence is currently insufficient to determine the role of this variant in disease. Therefore, it has been classified as a Variant of Uncertain Significance. Algorithms developed to predict the effect of sequence changes on RNA splicing suggest that this variant may create or strengthen a splice site, but this prediction has not been confirmed by published transcriptional studies. This variant has not been reported in the literature in individuals with NOD2-related conditions.

NM_001370466.1(NOD2):c.2466-12G>A

Gene: NOD2 (nucleotide binding oligomerization domain containing 2; plus strand). Cytogenetic location: 16q12.1.
Variant type: single nucleotide variant.
Coding change: c.2466-12G>A on transcript NM_001370466.1 (MANE Select); 12 bases into the intron before coding-DNA position 2466, G replaced by A.
Molecular consequence: intron variant.
Genome position (GRCh38, 1-based): chr16:50,716,879, G>A. VCF-style: chr16-50716879-G-A. GRCh37 (hg19) VCF-style: chr16-50750790-G-A.
Other names: c.2547-12G>A (NM_022162.3); c.2466-12G>A (NM_001293557.2).
Identifiers: ClinVar variation 1346025 (VCV001346025.8), dbSNP rs2150824449, ClinGen allele CA2573152314.